The following is an entry in ClinVar:

NM_001042432.2(CLN3):c.1268C>A (p.Ser423Ter)

Gene: CLN3 (CLN3 lysosomal/endosomal transmembrane protein, battenin; minus strand). Cytogenetic location: 16p12.1.
Variant type: single nucleotide variant.
Coding change: c.1268C>A on transcript NM_001042432.2 (MANE Select); coding-DNA position 1268, C replaced by A.
Protein change: p.Ser423Ter; replaces serine 423 with a stop codon.
Molecular consequence: nonsense.
Genome position (GRCh38, 1-based): chr16:28,477,565, G>T on the plus strand (C>A on the coding strand, the complement: CLN3 is on the minus strand). VCF-style: chr16-28477565-G-T. GRCh37 (hg19) VCF-style: chr16-28488886-G-T.
Other names: NC_000016.9:g.28488886G>T; c.1268C>A, p.Ser423Ter (NM_000086.2); c.1196C>A, p.Ser399Ter (NM_001286104.2); c.968C>A, p.Ser323Ter (NM_001286105.2); c.1034C>A, p.Ser345Ter (NM_001286109.2); c.1106C>A, p.Ser369Ter (NM_001286110.2); short protein forms S423*, S323*, S399*, S345*, S369*.
Identifiers: ClinVar variation 56255 (VCV000056255.5), dbSNP rs386833706, ClinGen allele CA263631.

ClinVar aggregate classification (germline): Likely pathogenic. Review status: criteria provided, multiple submitters, no conflicts (2 of 4 stars). 3 submissions from 3 submitters: Likely pathogenic (2). 1 of the submissions does not count toward it. Last evaluated 2024-01-23.

Conditions:
Neuronal ceroid lipofuscinosis 3 (CLN3). Identifiers: Orphanet 228346, MedGen C0751383, MONDO:0008767, OMIM 204200.

Submissions (4):

Fulgent Genetics
Classification: Likely pathogenic for Neuronal ceroid lipofuscinosis 3. Last evaluated: 2024-01-23. Review status: criteria provided, single submitter. Criteria: ACMG Guidelines, 2015. Collection method: clinical testing. Allele origin: germline.

Women's Health and Genetics/Laboratory Corporation of America, LabCorp
Classification: Likely pathogenic for Juvenile neuronal ceroid lipofuscinosis. Last evaluated: 2019-05-28. Review status: criteria provided, single submitter. Criteria: LabCorp Variant Classification Summary - May 2015. Collection method: clinical testing. Allele origin: germline.
Comment: Variant summary: CLN3 c.1268C>A (p.Ser423X) results in a premature termination codon, predicted to cause a truncation of the encoded protein or absence of the protein due to nonsense mediated decay, which are commonly known mechanisms for disease. The variant was absent in 250882 control chromosomes (gnomAD). c.1268C>A has been reported in the literature as a disease-associated mutation, however, limited available information is provided (Kousi_2011). To our knowledge, no experimental evidence demonstrating an impact on protein function has been reported. No clinical diagnostic laboratories have submitted clinical-significance assessments for this variant to ClinVar after 2014. Based on the evidence outlined above, the variant was classified as likely pathogenic.

Dr. Peter K. Rogan Lab, Western University
No classification provided (evidence only). Condition: Malignant tumor of urinary bladder. Review status: no classification provided. Collection method: in vitro. Allele origin: not applicable. Functional consequence: retained intron. Not counted in ClinVar's aggregate classification.

Juha Muilu Group; Institute for Molecular Medicine Finland (FIMM)
Classification: Likely pathogenic for Juvenile neuronal ceroid lipofuscinosis. Review status: no assertion criteria provided. Collection method: not provided. Allele origin: unknown. Not counted in ClinVar's aggregate classification.
Comment: FinDis database variant: This variant was not found or characterized by our laboratory, data were collected from public sources: see reference
ClinVar note: Converted during submission from probable-pathogenic to Likely pathogenic.

Literature cited by the submitters: PubMed 21990111 (cited by Women's Health and Genetics/Laboratory Corporation of America, LabCorp).